The following is an entry in ClinVar:

ClinVar aggregate classification (germline): Likely benign. Review status: criteria provided, multiple submitters, no conflicts (2 of 4 stars). 2 submissions from 2 submitters: Likely benign (2). Last evaluated 2025-10-01.

Allele frequency attached by ClinVar (database versions not stated): ExAC 0.00001; TOPMed 0.00005; gnomAD 0.00006; gnomAD exomes 0.00006.
gnomAD v4.1: 95 of 1,532,446 alleles (0.0062%); highest among the groups gnomAD compares: Non-Finnish European, 0.008%; no homozygotes.

Submissions (2):

Labcorp Genetics (formerly Invitae), Labcorp
Classification: Likely benign. Last evaluated: 2025-10-01. Review status: criteria provided, single submitter. Criteria: Invitae Variant Classification Sherloc (09022015). Collection method: clinical testing. Allele origin: germline.

CeGaT Center for Human Genetics Tuebingen
Classification: Likely benign. Last evaluated: 2025-08-01. Review status: criteria provided, single submitter. Criteria: CeGaT Center For Human Genetics Tuebingen Variant Classification Criteria Version 2. Collection method: clinical testing. Allele origin: germline. Affected: yes. Observed: 2 variant alleles.
Comment: APC2: BP4, BP7

NM_005883.3(APC2):c.2784C>T (p.Asn928=)

Gene: APC2 (APC regulator of Wnt signaling pathway 2; plus strand). Cytogenetic location: 19p13.3.
Variant type: single nucleotide variant.
Coding change: c.2784C>T on transcript NM_005883.3 (MANE Select); coding-DNA position 2784, C replaced by T.
Protein change: p.Asn928=; no amino-acid change (asparagine 928 retained).
Molecular consequence: synonymous variant.
Genome position (GRCh38, 1-based): chr19:1,466,085, C>T. VCF-style: chr19-1466085-C-T. GRCh37 (hg19) VCF-style: chr19-1466084-C-T.
Other names: c.2781C>T, p.Asn927= (NM_001351273.1).
Identifiers: ClinVar variation 2648926 (VCV002648926.26), dbSNP rs771189796, ClinGen allele CA9045533.